The following is an entry in ClinVar:

ClinVar aggregate classification (germline): Uncertain significance (1 of 4 stars; one submission).

Submission:

GeneDx
Classification: Uncertain significance. Last evaluated: 2017-03-30. Review status: criteria provided, single submitter. Criteria: GeneDx Variant Classification (06012015). Collection method: clinical testing. Allele origin: germline. Affected: yes.
Comment: A variant of uncertain significance has been identified in the ACTB gene. The D187E variant has not been published as a pathogenic variant, nor has it been reported as a benign variant to our knowledge. The D187E variant is not observed in large population cohorts (Lek et al., 2016; 1000 Genomes Consortium et al., 2015; Exome Variant Server). This substitution occurs at a position that is conserved across species. However, the D187E variant is a conservative amino acid substitution, which is not likely to impact secondary protein structure as these residues share similar properties. In silico analysis is inconsistent in its predictions as to whether or not the variant is damaging to the protein structure/function. Therefore, based on the currently available information, it is unclear whether this variant is a pathogenic variant or a rare benign variant.

NM_001101.5(ACTB):c.561C>G (p.Asp187Glu)

Gene: ACTB (actin beta; minus strand). Cytogenetic location: 7p22.1.
Variant type: single nucleotide variant.
Coding change: c.561C>G on transcript NM_001101.5 (MANE Select); coding-DNA position 561, C replaced by G.
Protein change: p.Asp187Glu; replaces aspartic acid 187 with glutamic acid.
Molecular consequence: missense variant.
Genome position (GRCh38, 1-based): chr7:5,528,522, G>C on the plus strand (C>G on the coding strand, the complement: ACTB is on the minus strand). VCF-style: chr7-5528522-G-C. GRCh37 (hg19) VCF-style: chr7-5568153-G-C.
Other names: c.561C>G (LRG_132t1); short protein forms D187E.
Identifiers: ClinVar variation 426872 (VCV000426872.2), dbSNP rs202099951, ClinGen allele CA366702839.
Genomic context (GRCh38, chr7:5,528,522, plus strand): 5'-TTCCCGCTCGGCCGTGGTGGTGAAGCTGTAGCCGCGCTCGGTGAGGATCTTCATGAGGTA[G>C]TCAGTCAGGTCCCGGCCAGCCAGGTCCAGACGCAGGATGGCATGGGGGAGGGCATACCCC-3'
Protein context (NP_001092.1, residues 177-197): RLDLAGRDLT[Asp187Glu]YLMKILTERG